The following is an entry in ClinVar:

NM_013275.6(ANKRD11):c.3073C>T (p.Pro1025Ser)

Gene: ANKRD11 (ankyrin repeat domain containing 11; minus strand). Cytogenetic location: 16q24.3.
Variant type: single nucleotide variant.
Coding change: c.3073C>T on transcript NM_013275.6 (MANE Select); coding-DNA position 3073, C replaced by T.
Protein change: p.Pro1025Ser; replaces proline 1025 with serine.
Molecular consequence: missense variant.
Genome position (GRCh38, 1-based): chr16:89,283,469, G>A on the plus strand (C>T on the coding strand, the complement: ANKRD11 is on the minus strand). VCF-style: chr16-89283469-G-A. GRCh37 (hg19) VCF-style: chr16-89349877-G-A.
Other names: c.3073C>T, p.Pro1025Ser (NM_001256182.2, NM_001256183.2); short protein forms P1025S.
Identifiers: ClinVar variation 1676529 (VCV001676529.3), dbSNP rs1337062402, ClinGen allele CA397160660.

ClinVar aggregate classification (germline): Uncertain significance (1 of 4 stars; one submission).

Submission:

Greenwood Genetic Center Diagnostic Laboratories, Greenwood Genetic Center
Classification: Uncertain significance. Last evaluated: 2022-01-19. Review status: criteria provided, single submitter. Criteria: ACMG Guidelines, 2015. Collection method: clinical testing. Allele origin: germline. Affected: yes.
Comment: BP4, PM2